The following is an entry in ClinVar:

ClinVar aggregate classification (germline): Likely pathogenic (1 of 4 stars; one submission).

Conditions:
Jervell and Lange-Nielsen syndrome 1 (JLNS1). Also called: CARDIOAUDITORY SYNDROME OF JERVELL AND LANGE-NIELSEN; DEAFNESS, CONGENITAL, AND FUNCTIONAL HEART DISEASE; PROLONGED QT INTERVAL IN EKG AND SUDDEN DEATH; SURDO-CARDIAC SYNDROME. Identifiers: Orphanet 768, Orphanet 90647, MedGen C4551509, MONDO:0024540, OMIM 220400.

Submission:

Health in Code S.L.
Classification: Likely pathogenic for Jervell and Lange-Nielsen syndrome 1. Last evaluated: 2020-10-27. Review status: criteria provided, single submitter. Criteria: ACMG Guidelines, 2015. Collection method: clinical testing. Allele origin: germline. Inheritance: Autosomal recessive inheritance. Affected: yes. Observed: 1 compound heterozygote.
Comment: Jervell and Lange-Nielsen syndrome (JLNS), a rare recessive disorder characterized by long QT syndrome (LQTS) associated with congenital deafness, is caused by biallelic pathogenic variants in either KCNQ1 (JLNS1) or KCNE1 (JLNS2). NGS analysis revealed one known heterozygous pathogenic missense variant, KCNQ1 p.R259L, previously associated with LQTS but insufficient to explain the cardioauditory disorder. In a screening of proximal intronic regions, we found a heterozygous variant, KCNQ1 c.1686-9T>C, absent from controls and previously undescribed. Several splicing prediction tools returned low scores for this new intronic variant. Driven by the proband's phenotype rather than the neutral predictions, we have characterized this rare intronic variant. A minigene splicing assay revealed that the intronic variant induced an additional transcript, arising from skipping of exon 14, which was translated into a truncated protein in transfected cells. The splice-out of exon 14 creates a frameshift in exon 15 and a stop codon in exon 16, which is the last exon of KCNQ1. This mis-spliced transcript is expected to escape nonsense mediated decay and predicted to encode a truncated loss-of-function protein, KCNQ1 p.L563Kfs*73.

Literature cited by the submitters: PubMed 33664273.

NM_000218.3(KCNQ1):c.1686-9T>C

Gene: KCNQ1 (potassium voltage-gated channel subfamily Q member 1; plus strand). Cytogenetic location: 11p15.5.
Variant type: single nucleotide variant.
Coding change: c.1686-9T>C on transcript NM_000218.3 (MANE Select); 9 bases into the intron before coding-DNA position 1686, T replaced by C.
Molecular consequence: intron variant.
Genome position (GRCh38, 1-based): chr11:2,776,977, T>C. VCF-style: chr11-2776977-T-C. GRCh37 (hg19) VCF-style: chr11-2798207-T-C.
Other names: c.1416-9T>C (NM_001406837.1); c.1590-9T>C (NM_001406836.1); c.1146-9T>C (NM_001406838.1); c.1305-9T>C (NM_181798.2).
Identifiers: ClinVar variation 983505 (VCV000983505.6), dbSNP rs1846716158, ClinGen allele CA1948314544.
Genomic context (GRCh38, chr11:2,776,977, plus strand): 5'-CACAGACGACAGTGCATCTGCGCAGTGCCAGGGCCAGGTGTGAACTGGTGTCTGTGTCCT[T>C]CTCTCCAGGCTGGACCAGTCCATTGGGAAGCCCTCACTGTTCATCTCCGTCTCAGGTGGG-3'